The following is an entry in ClinVar:

ClinVar aggregate classification (germline): Conflicting classifications of pathogenicity. Review status: criteria provided, conflicting classifications (1 of 4 stars). 5 submissions from 5 submitters: Uncertain significance (4); Likely benign (1). Last evaluated 2025-10-11.

Conditions:
Hereditary cancer-predisposing syndrome. Also called: Tumor predisposition; Hereditary neoplastic syndrome; Neoplastic Syndromes, Hereditary; Hereditary Cancer Syndrome. Identifiers: Orphanet 140162, MedGen C0027672, MeSH D009386, MONDO:0015356.
Ataxia-telangiectasia syndrome (AT). Also called: ATAXIA-TELANGIECTASIA, COMPLEMENTATION GROUP A; ATAXIA-TELANGIECTASIA, FRESNO VARIANT; Ataxia-telangiectasia; LOUIS-BAR SYNDROME; Cerebello-oculocutaneous telangiectasia; Immunodeficiency with ataxia telangiectasia. Identifiers: Orphanet 100, MedGen C0004135, MONDO:0008840, OMIM 208900.

Allele frequency attached by ClinVar (database versions not stated): TOPMed below 0.00001.

Submissions (5):

Labcorp Genetics (formerly Invitae), Labcorp
Classification: Uncertain significance for Ataxia-telangiectasia syndrome. Last evaluated: 2025-10-11. Review status: criteria provided, single submitter. Criteria: Invitae Variant Classification Sherloc (09022015). Collection method: clinical testing. Allele origin: germline.
Comment: This sequence change replaces glutamine, which is neutral and polar, with proline, which is neutral and non-polar, at codon 161 of the ATM protein (p.Gln161Pro). This variant is not present in population databases (gnomAD no frequency). This variant has not been reported in the literature in individuals affected with ATM-related conditions. ClinVar contains an entry for this variant (Variation ID: 135756). Invitae Evidence Modeling of protein sequence and biophysical properties (such as structural, functional, and spatial information, amino acid conservation, physicochemical variation, residue mobility, and thermodynamic stability) indicates that this missense variant is not expected to disrupt ATM protein function with a negative predictive value of 95%. In summary, the available evidence is currently insufficient to determine the role of this variant in disease. Therefore, it has been classified as a Variant of Uncertain Significance.

Ambry Genetics
Classification: Uncertain significance for Hereditary cancer-predisposing syndrome. Last evaluated: 2025-01-07. Review status: criteria provided, single submitter. Criteria: Ambry Variant Classification Scheme 2023. Collection method: clinical testing. Allele origin: germline.
Comment: The p.Q161P variant (also known as c.482A>C), located in coding exon 4 of the ATM gene, results from an A to C substitution at nucleotide position 482. The glutamine at codon 161 is replaced by proline, an amino acid with similar properties. This amino acid position is well conserved in available vertebrate species. In addition, this alteration is predicted to be tolerated by in silico analysis. Since supporting evidence is limited at this time, the clinical significance of this alteration remains unclear.

Athena Diagnostics
Classification: Uncertain significance. Last evaluated: 2024-06-20. Review status: criteria provided, single submitter. Criteria: Athena Diagnostics Criteria. Collection method: clinical testing. Allele origin: unknown.
Comment: Available data are insufficient to determine the clinical significance of the variant at this time. This variant has not been reported in large, multi-ethnic general populations. Polyphen and MutationTaster predict this amino acid change may be benign.

Color Diagnostics, LLC DBA Color Health
Classification: Uncertain significance for Hereditary cancer-predisposing syndrome. Last evaluated: 2022-01-24. Review status: criteria provided, single submitter. Criteria: ACMG Guidelines, 2015. Collection method: clinical testing. Allele origin: germline.
Comment: This missense variant replaces glutamine with proline at codon 161 of the ATM protein. Computational prediction suggests that this variant may not impact protein structure and function (internally defined REVEL score threshold <= 0.5, PMID: 27666373). To our knowledge, functional studies have not been reported for this variant. This variant has not been reported in individuals affected with hereditary cancer in the literature. This variant has not been identified in the general population by the Genome Aggregation Database (gnomAD). The available evidence is insufficient to determine the role of this variant in disease conclusively. Therefore, this variant is classified as a Variant of Uncertain Significance.

GeneDx
Classification: Likely benign. Last evaluated: 2017-07-06. Review status: criteria provided, single submitter. Criteria: GeneDx Variant Classification (06012015). Collection method: clinical testing. Allele origin: germline. Affected: yes.
Comment: This variant is considered likely benign or benign based on one or more of the following criteria: it is a conservative change, it occurs at a poorly conserved position in the protein, it is predicted to be benign by multiple in silico algorithms, and/or has population frequency not consistent with disease.

NM_000051.4(ATM):c.482A>C (p.Gln161Pro)

Gene: ATM (ATM serine/threonine kinase; plus strand). Cytogenetic location: 11q22.3.
Variant type: single nucleotide variant.
Coding change: c.482A>C on transcript NM_000051.4 (MANE Select); coding-DNA position 482, A replaced by C.
Protein change: p.Gln161Pro; replaces glutamine 161 with proline.
Molecular consequence: missense variant.
Genome position (GRCh38, 1-based): chr11:108,235,820, A>C. VCF-style: chr11-108235820-A-C. GRCh37 (hg19) VCF-style: chr11-108106547-A-C.
Other names: c.482A>C, p.Gln161Pro (NM_001351834.2); short protein forms Q161P.
Identifiers: ClinVar variation 135756 (VCV000135756.17), dbSNP rs587780625, ClinGen allele CA332336.
Genomic context (GRCh38, chr11:108,235,820, plus strand): 5'-GTAGCAACATACTACTCAAAGACATTCTTTCTGTGAGAAAATACTGGTGTGAAATATCTC[A>C]GCAACAGTGGTTAGGTATGTTTTGAAGGTTGTTGTTTGTGAATTTTTCCTCATGAAATGA-3'
Protein context (NP_000042.3, residues 151-171): SVRKYWCEIS[Gln161Pro]QQWLELFSVY